The following is an entry in ClinVar:

ClinVar aggregate classification (germline): Uncertain significance. Review status: criteria provided, multiple submitters, no conflicts (2 of 4 stars). 2 submissions from 2 submitters: Uncertain significance (2). Last evaluated 2021-09-17.

Conditions:
Inborn genetic diseases. Identifiers: MedGen C0950123, MeSH D030342.

Allele frequency attached by ClinVar (database versions not stated): TOPMed 0.00001.

Submissions (2):

Ambry Genetics
Classification: Uncertain significance for Inborn genetic diseases. Last evaluated: 2021-09-17. Review status: criteria provided, single submitter. Criteria: Ambry Variant Classification Scheme 2023. Collection method: clinical testing. Allele origin: germline.

Clinical Genomics Laboratory, Stanford Medicine
Classification: Uncertain significance. Last evaluated: 2021-08-30. Review status: criteria provided, single submitter. Criteria: ACMG Guidelines, 2015. Collection method: clinical testing. Allele origin: germline. Observed: 1 variant allele, 1 heterozygote.
Comment: The p.Gln190Lys variant in the TRIM63 gene has not been previously reported in association with disease. This variant has been identified in 3/34,590 Latino/Admixed American chromosomes by the Genome Aggregation Database. Computational tools predict that this variant does not impact protein function; however, the accuracy of in silico algorithms is limited. These data were assessed using the ACMG/AMP variant interpretation guidelines. In summary, the significance of the p.Gln190Lys variant is uncertain. Additional information is needed to resolve the significance of this variant. [ACMG evidence codes used: PM2]_x000D_

NM_032588.4(TRIM63):c.568C>A (p.Gln190Lys)

Gene: TRIM63 (tripartite motif containing 63; minus strand). Cytogenetic location: 1p36.11.
Variant type: single nucleotide variant.
Coding change: c.568C>A on transcript NM_032588.4 (MANE Select); coding-DNA position 568, C replaced by A.
Protein change: p.Gln190Lys; replaces glutamine 190 with lysine.
Molecular consequence: missense variant.
Genome position (GRCh38, 1-based): chr1:26,060,295, G>T on the plus strand (C>A on the coding strand, the complement: TRIM63 is on the minus strand). VCF-style: chr1-26060295-G-T. GRCh37 (hg19) VCF-style: chr1-26386786-G-T.
Other names: short protein forms Q190K.
Identifiers: ClinVar variation 2404017 (VCV002404017.3), dbSNP rs1193950337, ClinGen allele CA339110001.